The following is an entry in ClinVar:

NM_001354604.2(MITF):c.580G>A (p.Glu194Lys)

Gene: MITF (melanocyte inducing transcription factor; plus strand). Cytogenetic location: 3p13.
Variant type: single nucleotide variant.
Coding change: c.580G>A on transcript NM_001354604.2 (MANE Select); coding-DNA position 580, G replaced by A.
Protein change: p.Glu194Lys; replaces glutamic acid 194 with lysine.
Molecular consequence: missense variant. On other transcripts: intron variant (1).
Genome position (GRCh38, 1-based): chr3:69,938,047, G>A. VCF-style: chr3-69938047-G-A. GRCh37 (hg19) VCF-style: chr3-69987198-G-A.
Other names: c.577G>A, p.Glu193Lys (NM_001354605.2, NM_001354606.2, NM_006722.3); c.529G>A, p.Glu177Lys (NM_001354607.2); c.424G>A, p.Glu142Lys (NM_001354608.2, NM_001184967.2); c.259G>A, p.Glu87Lys (NM_198158.3, NM_000248.4, NM_001184968.2); c.580G>A, p.Glu194Lys (NM_198159.3); c.532G>A, p.Glu178Lys (NM_198177.3); c.93+166G>A (NM_198178.3); short protein forms E142K, E193K, E194K, E87K, E177K, E178K.
Identifiers: ClinVar variation 2936683 (VCV002936683.3), dbSNP rs764022326, ClinGen allele CA2490376.

ClinVar aggregate classification (germline): Uncertain significance (1 of 4 stars; one submission).

Conditions:
Tietz syndrome (TADS). Also called: ALBINISM-DEAFNESS OF TIETZ; HYPOPIGMENTATION/DEAFNESS OF TIETZ; TIETZ ALBINISM-DEAFNESS SYNDROME. Identifiers: Orphanet 42665, MedGen C0391816, MONDO:0007077, OMIM 103500.
Waardenburg syndrome type 2A (WS2A). Also called: WAARDENBURG SYNDROME WITHOUT DYSTOPIA CANTHORUM. Identifiers: Orphanet 3440, MedGen C1860339, MONDO:0008671, OMIM 193510.
Melanoma, cutaneous malignant, susceptibility to, 8. Also called: MELANOMA AND RENAL CELL CARCINOMA, SUSCEPTIBILITY TO; Cutaneous malignant melanoma 8. Identifiers: Orphanet 293822, MedGen C3152204, MONDO:0013759, OMIM 614456.

Allele frequency attached by ClinVar (database versions not stated): TOPMed below 0.00001; gnomAD 0.00001; gnomAD exomes 0.00001; ExAC 0.00004.
gnomAD v4.1: 10 of 1,613,806 alleles (0.00062%); highest among the groups gnomAD compares: African/African-American, 0.0027%; no homozygotes.

Submission:

Labcorp Genetics (formerly Invitae), Labcorp
Classification: Uncertain significance for Melanoma, cutaneous malignant, susceptibility to, 8; Waardenburg syndrome type 2A; Tietz syndrome. Last evaluated: 2025-11-05. Review status: criteria provided, single submitter. Criteria: Invitae Variant Classification Sherloc (09022015). Collection method: clinical testing. Allele origin: germline.
Comment: This sequence change replaces glutamic acid, which is acidic and polar, with lysine, which is basic and polar, at codon 87 of the MITF protein (p.Glu87Lys). This variant is present in population databases (rs764022326, gnomAD 0.004%). This variant has not been reported in the literature in individuals affected with MITF-related conditions. ClinVar contains an entry for this variant (Variation ID: 2936683). An algorithm developed to predict the effect of missense changes on protein structure and function (PolyPhen-2) suggests that this variant is likely to be tolerated. In summary, the available evidence is currently insufficient to determine the role of this variant in disease. Therefore, it has been classified as a Variant of Uncertain Significance.